The following is an entry in ClinVar:

ClinVar aggregate classification (germline): Uncertain significance (1 of 4 stars; one submission).

Conditions:
Hereditary cancer-predisposing syndrome. Also called: Hereditary Cancer Syndrome; Hereditary neoplastic syndrome; Neoplastic Syndromes, Hereditary; Tumor predisposition. Identifiers: Orphanet 140162, MedGen C0027672, MeSH D009386, MONDO:0015356.

Allele frequency attached by ClinVar (database versions not stated): gnomAD exomes below 0.00001; ExAC 0.00001; TOPMed 0.00001.
gnomAD v4.1: 2 of 1,575,042 alleles (0.00013%); highest among the groups gnomAD compares: Admixed American, 0.0017%; no homozygotes.

Submission:

Ambry Genetics
Classification: Uncertain significance for Hereditary cancer-predisposing syndrome. Last evaluated: 2022-04-25. Review status: criteria provided, single submitter. Criteria: Ambry Variant Classification Scheme 2023. Collection method: clinical testing. Allele origin: germline.
Comment: The p.D194Y variant (also known as c.580G>T), located in coding exon 6 of the EPCAM gene, results from a G to T substitution at nucleotide position 580. The aspartic acid at codon 194 is replaced by tyrosine, an amino acid with highly dissimilar properties. This amino acid position is conserved. In addition, the in silico prediction for this alteration is inconclusive. Since supporting evidence is limited at this time, the clinical significance of this alteration remains unclear.

NM_002354.3(EPCAM):c.580G>T (p.Asp194Tyr)

Gene: EPCAM (epithelial cell adhesion molecule; plus strand). Cytogenetic location: 2p21.
Variant type: single nucleotide variant.
Coding change: c.580G>T on transcript NM_002354.3 (MANE Select); coding-DNA position 580, G replaced by T.
Protein change: p.Asp194Tyr; replaces aspartic acid 194 with tyrosine.
Molecular consequence: missense variant.
Genome position (GRCh38, 1-based): chr2:47,378,977, G>T. VCF-style: chr2-47378977-G-T. GRCh37 (hg19) VCF-style: chr2-47606116-G-T.
Other names: short protein forms D194Y.
Identifiers: ClinVar variation 1749840 (VCV001749840.2), dbSNP rs746631464, ClinGen allele CA1649090.